The following is an entry in ClinVar:

NM_001013838.3(CARMIL2):c.3035C>T (p.Ala1012Val)

Gene: CARMIL2 (capping protein regulator and myosin 1 linker 2; plus strand). Cytogenetic location: 16q22.1.
Variant type: single nucleotide variant.
Coding change: c.3035C>T on transcript NM_001013838.3 (MANE Select); coding-DNA position 3035, C replaced by T.
Protein change: p.Ala1012Val; replaces alanine 1012 with valine.
Molecular consequence: missense variant.
Genome position (GRCh38, 1-based): chr16:67,653,169, C>T. VCF-style: chr16-67653169-C-T. GRCh37 (hg19) VCF-style: chr16-67687072-C-T.
Other names: c.2927C>T, p.Ala976Val (NM_001317026.3, NM_001438244.1, NM_001438835.1); short protein forms A1012V, A976V.
Identifiers: ClinVar variation 5020968 (VCV005020968.1).

ClinVar aggregate classification (germline): Uncertain significance (1 of 4 stars; one submission).

gnomAD v4.1: 1 of 1,109,848 alleles (0.00009%); highest among the groups gnomAD compares: Non-Finnish European, 0.00011%; no homozygotes.

Submission:

Dasa
Classification: Uncertain significance. Last evaluated: 2025-04-21. Review status: criteria provided, single submitter. Criteria: DASA Assertion Criteria. Collection method: clinical testing. Allele origin: germline.
Comment: NM_001013838.3(CARMIL2):c.3035C>T (p.Ala1012Val) is a missense variant that results in the substitution of alanine with valine. This variant is rare in population databases. Computational prediction algorithms are consistent with a benign effect. The currently available literature and clinical evidence are not sufficient to establish a definitive association between this variant and the reported condition. Therefore, this variant is classified as a variant of uncertain significance.